The following is an entry in ClinVar:

NM_018706.7(DHTKD1):c.744A>G (p.Leu248=)

Gene: DHTKD1 (dehydrogenase E1 and transketolase domain containing 1; plus strand). Cytogenetic location: 10p14.
Variant type: single nucleotide variant.
Coding change: c.744A>G on transcript NM_018706.7 (MANE Select); coding-DNA position 744, A replaced by G.
Protein change: p.Leu248=; no amino-acid change (leucine 248 retained).
Molecular consequence: synonymous variant.
Genome position (GRCh38, 1-based): chr10:12,089,012, A>G. VCF-style: chr10-12089012-A-G. GRCh37 (hg19) VCF-style: chr10-12131011-A-G.
Identifiers: ClinVar variation 1649443 (VCV001649443.22), dbSNP rs370385309, ClinGen allele CA5407643.

ClinVar aggregate classification (germline): Likely benign. Review status: criteria provided, multiple submitters, no conflicts (2 of 4 stars). 2 submissions from 2 submitters: Likely benign (2). Last evaluated 2025-09-01.

Conditions:
2-aminoadipic 2-oxoadipic aciduria (AAKAD). Also called: ALPHA-AMINOADIPIC AND ALPHA-KETOADIPIC ACIDURIA; Aminoadipic aciduria. Identifiers: Orphanet 79154, MedGen C1859817, MONDO:0008774, OMIM 204750.

Allele frequency attached by ClinVar (database versions not stated): ExAC 0.00002; gnomAD exomes 0.00002 and 0.00004; TOPMed 0.00006; ESP Exome Variant Server 0.00008; gnomAD 0.00009 and 0.00010.
gnomAD v4.1: 70 of 1,613,948 alleles (0.0043%); highest among the groups gnomAD compares: Non-Finnish European, 0.0055%; no homozygotes.

Submissions (2):

Labcorp Genetics (formerly Invitae), Labcorp
Classification: Likely benign for 2-aminoadipic 2-oxoadipic aciduria. Last evaluated: 2025-09-01. Review status: criteria provided, single submitter. Criteria: Invitae Variant Classification Sherloc (09022015). Collection method: clinical testing. Allele origin: germline.

CeGaT Center for Human Genetics Tuebingen
Classification: Likely benign. Last evaluated: 2024-09-01. Review status: criteria provided, single submitter. Criteria: CeGaT Center For Human Genetics Tuebingen Variant Classification Criteria Version 2. Collection method: clinical testing. Allele origin: germline. Affected: yes. Observed: 1 variant allele.
Comment: DHTKD1: BP4, BP7